The following is an entry in ClinVar:

ClinVar aggregate classification (germline): Benign. Review status: criteria provided, multiple submitters, no conflicts (2 of 4 stars). 6 submissions from 6 submitters: Benign (5). 1 of the submissions does not count toward it. Last evaluated 2022-11-01.

Conditions:
TMPO-related disorder. Also called: TMPO-related condition.

Allele frequency attached by ClinVar (database versions not stated): 1000 Genomes Project 0.00240; 1000 Genomes Project 30x 0.00265; TOPMed 0.00523; ESP Exome Variant Server 0.00692; gnomAD 0.00927 and 0.00977; gnomAD exomes 0.01030 and 0.01039; ExAC 0.01035.
gnomAD v4.1: 16,298 of 1,612,944 alleles (1%); highest among the groups gnomAD compares: Non-Finnish European, 1%; 141 homozygotes.

Submissions (6):

CeGaT Center for Human Genetics Tuebingen
Classification: Benign. Last evaluated: 2022-11-01. Review status: criteria provided, single submitter. Criteria: CeGaT Center For Human Genetics Tuebingen Variant Classification Criteria Version 2. Collection method: clinical testing. Allele origin: germline. Affected: yes. Observed: 1 variant allele.
Comment: TMPO: BP4, BS1, BS2

GeneDx
Classification: Benign. Last evaluated: 2019-08-06. Review status: criteria provided, single submitter. Criteria: GeneDx Variant Classification Process June 2021. Collection method: clinical testing. Allele origin: germline. Affected: yes.

Biesecker Lab/Clinical Genomics Section, National Institutes of Health
Classification: Benign. Last evaluated: 2013-06-24. Review status: criteria provided, single submitter. Criteria: Ng et al. (Circ Cardiovasc Genet. 2013). Collection method: research. Allele origin: unknown. Observed: 11 variant alleles. Study: ClinSeq.
Comment: The study set was not selected for affection status in relation to any cancer. Pathogenicity categories were based on literature curation. See Pubmed ID:23861362 for details.

Medical sequencing

Laboratory for Molecular Medicine, Mass General Brigham Personalized Medicine
Classification: Benign. Last evaluated: 2012-12-21. Review status: criteria provided, single submitter. Criteria: LMM Criteria. Collection method: clinical testing. Allele origin: germline. Observed: 12 variant alleles.
Comment: Ala287Pro in exon 6 of TMPO: This variant is not expected to have clinical signi ficance because it has been identified in 1.0% (85/8600) of European American ch romosomes from a broad population by the NHLBI Exome Sequencing Project (dbSNP rs7133258). Ala287Pro in exon 6 of TMPO (rs713 3258; allele frequency= 1.0%, 85/8600) **

Breakthrough Genomics
Classification: Benign. Review status: criteria provided, single submitter. Criteria: ACMG Guidelines, 2015. Collection method: not provided. Allele origin: germline. Inheritance: Unknown mechanism. Affected: yes.

PreventionGenetics, part of Exact Sciences
Classification: Benign for TMPO-related condition. Last evaluated: 2019-08-30. Review status: no assertion criteria provided. Collection method: clinical testing. Allele origin: germline. Not counted in ClinVar's aggregate classification.
Comment: This variant is classified as benign based on ACMG/AMP sequence variant interpretation guidelines (Richards et al. 2015 PMID: 25741868, with internal and published modifications).

NM_001032283.3(TMPO):c.859G>C (p.Ala287Pro)

Gene: TMPO (thymopoietin; plus strand). Cytogenetic location: 12q23.1.
Variant type: single nucleotide variant.
Coding change: c.859G>C on transcript NM_001032283.3 (MANE Select); coding-DNA position 859, G replaced by C.
Protein change: p.Ala287Pro; replaces alanine 287 with proline.
Molecular consequence: missense variant. On other transcripts: intron variant (1).
Genome position (GRCh38, 1-based): chr12:98,544,517, G>C. VCF-style: chr12-98544517-G-C. GRCh37 (hg19) VCF-style: chr12-98938295-G-C.
Other names: c.739G>C, p.Ala247Pro (NM_001307975.2); c.664-1842G>C (NM_001032284.3); short protein forms A287P, A247P.
Identifiers: ClinVar variation 43693 (VCV000043693.33), dbSNP rs7133258, ClinGen allele CA132911.